The following is an entry in ClinVar:

NM_006904.7(PRKDC):c.4588A>G (p.Ser1530Gly)

Gene: PRKDC (protein kinase, DNA-activated, catalytic subunit; minus strand). Cytogenetic location: 8q11.21.
Variant type: single nucleotide variant.
Coding change: c.4588A>G on transcript NM_006904.7 (MANE Select); coding-DNA position 4588, A replaced by G.
Protein change: p.Ser1530Gly; replaces serine 1530 with glycine.
Molecular consequence: missense variant.
Genome position (GRCh38, 1-based): chr8:47,886,132, T>C on the plus strand (A>G on the coding strand, the complement: PRKDC is on the minus strand). VCF-style: chr8-47886132-T-C. GRCh37 (hg19) VCF-style: chr8-48798693-T-C.
Other names: c.4588A>G, p.Ser1530Gly (NM_001081640.2); short protein forms S1530G.
Identifiers: ClinVar variation 1717182 (VCV001717182.5), dbSNP rs2551873169, ClinGen allele CA371143339.
Genomic context (GRCh38, chr8:47,886,132, plus strand): 5'-CGCTGCCCTGTGAGCTGCCCAAGGACGCCGTGGACAGCACCGCTGGGTTCAGGAGAAGAC[T>C]CACAAGGCGCTCACACTGGGAAAAAGAAAGGAGAAGTACCATAACTGGGGCACATCTTTG-3'
Protein context (NP_008835.5, residues 1520-1540): AFGGLCERLV[Ser1530Gly]LLLNPAVLST

ClinVar aggregate classification (germline): Uncertain significance (1 of 4 stars; one submission).

Conditions:
Severe combined immunodeficiency due to DNA-PKcs deficiency. Also called: IMMUNODEFICIENCY 26 WITH NEUROLOGIC ABNORMALITIES; Immunodeficiency 26 with or without neurologic abnormalities. Identifiers: Orphanet 317425, MedGen C4014833, MONDO:0014423, OMIM 615966.

Submission:

Labcorp Genetics (formerly Invitae), Labcorp
Classification: Uncertain significance for Severe combined immunodeficiency due to DNA-PKcs deficiency. Last evaluated: 2022-12-01. Review status: criteria provided, single submitter. Criteria: Invitae Variant Classification Sherloc (09022015). Collection method: clinical testing. Allele origin: germline.
Comment: This sequence change replaces serine, which is neutral and polar, with glycine, which is neutral and non-polar, at codon 1530 of the PRKDC protein (p.Ser1530Gly). In summary, the available evidence is currently insufficient to determine the role of this variant in disease. Therefore, it has been classified as a Variant of Uncertain Significance. Advanced modeling of protein sequence and biophysical properties (such as structural, functional, and spatial information, amino acid conservation, physicochemical variation, residue mobility, and thermodynamic stability) performed at Invitae indicates that this missense variant is not expected to disrupt PRKDC protein function. ClinVar contains an entry for this variant (Variation ID: 1717182). This variant has not been reported in the literature in individuals affected with PRKDC-related conditions. This variant is not present in population databases (gnomAD no frequency).